The following is an entry in ClinVar:

NM_022765.4(MICAL1):c.1355_1356insAA (p.His452fs)

Gene: MICAL1 (microtubule associated monooxygenase, calponin and LIM domain containing 1; minus strand). Cytogenetic location: 6q21.
Variant type: Insertion.
Coding change: c.1355_1356insAA on transcript NM_022765.4 (MANE Select); coding-DNA positions 1355 to 1356, AA inserted.
Protein change: p.His452fs; shifts the reading frame from histidine 452.
Molecular consequence: frameshift variant.
Genome position: GRCh38 VCF-style: chr6-109449735-A-ATT. GRCh37 (hg19) VCF-style: chr6-109770938-A-ATT.
Other names: c.1097_1098insAA, p.His366fs (NM_001159291.2); c.1412_1413insAA, p.His471fs (NM_001286613.2); short protein forms H366fs, H452fs, H471fs.
Identifiers: ClinVar variation 2844608 (VCV002844608.3), dbSNP rs2482796772, ClinGen allele CA2739265943.
Genomic context (GRCh38, chr6:109,449,735, plus strand): 5'-CCGGAGGTTCAGGTTGGGGTAGCGGGTGGCTGGGTCCAGCCCATACTGGGCCACATTGCG[A>ATT]TGCATGTTTTCTGGGGATGTCTGTGACAGAAGCTGGTACAGGCTCTCACTGAGGGGGTGA-3'

ClinVar aggregate classification (germline): Uncertain significance (1 of 4 stars; one submission).

Submission:

Labcorp Genetics (formerly Invitae), Labcorp
Classification: Uncertain significance. Last evaluated: 2024-06-24. Review status: criteria provided, single submitter. Criteria: Invitae Variant Classification Sherloc (09022015). Collection method: clinical testing. Allele origin: germline.
Comment: This sequence change creates a premature translational stop signal (p.His471Glnfs*19) in the MICAL1 gene. It is expected to result in an absent or disrupted protein product. However, the current clinical and genetic evidence is not sufficient to establish whether loss-of-function variants in MICAL1 cause disease. This variant is not present in population databases (gnomAD no frequency). This variant has not been reported in the literature in individuals affected with MICAL1-related conditions. In summary, the available evidence is currently insufficient to determine the role of this variant in disease. Therefore, it has been classified as a Variant of Uncertain Significance.